The following is an entry in ClinVar:

NM_012210.4(TRIM32):c.404C>T (p.Thr135Ile)

Genes: ASTN2 (astrotactin 2; minus strand), TRIM32 (tripartite motif containing 32; plus strand). Cytogenetic location: 9q33.1.
Variant type: single nucleotide variant.
Coding change: c.404C>T on transcript NM_012210.4 (MANE Select); coding-DNA position 404, C replaced by T.
Protein change: p.Thr135Ile; replaces threonine 135 with isoleucine.
Molecular consequence: missense variant. On other transcripts: intron variant (3).
Genome position (GRCh38, 1-based): chr9:116,698,146, C>T. VCF-style: chr9-116698146-C-T. GRCh37 (hg19) VCF-style: chr9-119460425-C-T.
Other names: c.2653+27625G>A (NM_014010.5); c.2794+27625G>A (NM_001365069.1); c.2806+27625G>A (NM_001365068.1); c.404C>T, p.Thr135Ile (NM_001379048.1, NM_001379049.1, NM_001379050.1 and 1 more transcripts); short protein forms T135I.
Identifiers: ClinVar variation 288372 (VCV000288372.19), dbSNP rs141953092, ClinGen allele CA5210967.

ClinVar aggregate classification (germline): Conflicting classifications of pathogenicity. Review status: criteria provided, conflicting classifications (1 of 4 stars). 6 submissions from 6 submitters: Uncertain significance (4); Benign (1); Likely benign (1). Last evaluated 2025-07-28.

Conditions:
TRIM32-related disorder. Also called: TRIM32-related condition.
Bardet-Biedl syndrome 11 (BBS11). Identifiers: Orphanet 110, MedGen C1859569, MONDO:0014439, OMIM 615988.
Sarcotubular myopathy (LGMDR8). Also called: Limb-girdle muscular dystrophy, type 2H; MUSCULAR DYSTROPHY, LIMB-GIRDLE, AUTOSOMAL RECESSIVE 8; Autosomal recessive limb-girdle muscular dystrophy type 2H; Hutterite type of muscular dystrophy. Identifiers: Orphanet 1878, MedGen C0270968, MONDO:0009683, OMIM 254110.
Bardet-Biedl syndrome (BBS). Identifiers: Orphanet 110, MedGen C0752166, MONDO:0015229.

Allele frequency attached by ClinVar (database versions not stated): TOPMed 0.00003; gnomAD 0.00005 and 0.00007; gnomAD exomes 0.00013 and 0.00018; 1000 Genomes Project 0.00020; ExAC 0.00021; ESP Exome Variant Server 0.00023; 1000 Genomes Project 30x 0.00031.
gnomAD v4.1: 197 of 1,614,122 alleles (0.012%); highest among the groups gnomAD compares: Middle Eastern, 0.12%; 2 homozygotes.

Submissions (6):

PreventionGenetics, part of Exact Sciences
Classification: Uncertain significance for TRIM32-related condition. Last evaluated: 2025-07-28. Review status: criteria provided, single submitter. Criteria: ACMG Guidelines, 2015. Collection method: clinical testing. Allele origin: germline.
Comment: The TRIM32 c.404C>T variant is predicted to result in the amino acid substitution p.Thr135Ile. The p.Thr135Ile change was previously reported in a large cohort of individuals with myopathy (Johnson et al. 2019. PubMed ID: 29921608, supplementary data). However, this variant is reported in 0.10% of alleles in individuals of South Asian descent in gnomAD, which is likely too frequent to be a primary cause of disease. Although we suspect that this variant may be benign, the clinical significance of this variant is currently classified as uncertain due to the absence of conclusive functional and genetic evidence.

Blueprint Genetics
Classification: Benign. Last evaluated: 2024-11-11. Review status: criteria provided, single submitter. Criteria: ACMG Guidelines, 2015. Collection method: clinical testing. Allele origin: germline.

Fulgent Genetics
Classification: Likely benign for Sarcotubular myopathy; Bardet-Biedl syndrome 11. Last evaluated: 2024-03-22. Review status: criteria provided, single submitter. Criteria: ACMG Guidelines, 2015. Collection method: clinical testing. Allele origin: germline.

Labcorp Genetics (formerly Invitae), Labcorp
Classification: Uncertain significance for Bardet-Biedl syndrome. Last evaluated: 2022-10-24. Review status: criteria provided, single submitter. Criteria: Invitae Variant Classification Sherloc (09022015). Collection method: clinical testing. Allele origin: germline.
Comment: This sequence change replaces threonine, which is neutral and polar, with isoleucine, which is neutral and non-polar, at codon 135 of the TRIM32 protein (p.Thr135Ile). This variant is present in population databases (rs141953092, gnomAD 0.1%). This variant has not been reported in the literature in individuals affected with TRIM32-related conditions. ClinVar contains an entry for this variant (Variation ID: 288372). Algorithms developed to predict the effect of missense changes on protein structure and function (SIFT, PolyPhen-2, Align-GVGD) all suggest that this variant is likely to be tolerated. In summary, the available evidence is currently insufficient to determine the role of this variant in disease. Therefore, it has been classified as a Variant of Uncertain Significance.

Eurofins Ntd Llc (ga)
Classification: Uncertain significance. Last evaluated: 2017-09-19. Review status: criteria provided, single submitter. Criteria: EGL Classification Definitions 2015. Collection method: clinical testing. Allele origin: germline. Observed: 3 variant alleles, 3 heterozygotes.

Mayo Clinic Laboratories, Mayo Clinic
Classification: Uncertain significance for Sarcotubular myopathy; Bardet-Biedl syndrome 11. Last evaluated: 2017-03-10. Review status: criteria provided, single submitter. Criteria: ACMG Guidelines, 2015. Collection method: clinical testing. Allele origin: paternal.